The following is an entry in ClinVar:

ClinVar aggregate classification (germline): Likely benign (1 of 4 stars; one submission).

Submission:

Mayo Clinic Laboratories, Mayo Clinic
Classification: Likely benign. Last evaluated: 2024-12-24. Review status: criteria provided, single submitter. Criteria: ACMG Guidelines, 2015. Collection method: clinical testing. Allele origin: germline. Observed: 2 variant alleles.
Comment: PM2_supporting

NM_000263.4(NAGLU):c.-30G>A

Genes: NAGLU (N-acetyl-alpha-glucosaminidase; plus strand), LOC130060903 (ATAC-STARR-seq lymphoblastoid silent region 8533; plus strand). Cytogenetic location: 17q21.2.
Variant type: single nucleotide variant.
Coding change: c.-30G>A on transcript NM_000263.4 (MANE Select); 30 bases upstream of the start codon, G replaced by A.
Molecular consequence: 5 prime UTR variant.
Genome position (GRCh38, 1-based): chr17:42,536,243, G>A. VCF-style: chr17-42536243-G-A. GRCh37 (hg19) VCF-style: chr17-40688261-G-A.
Identifiers: ClinVar variation 4684212 (VCV004684212.1).